The following is an entry in ClinVar:

ClinVar aggregate classification (germline): Pathogenic (1 of 4 stars; one submission).

Conditions:
Neonatal-onset encephalopathy with rigidity and seizures. Also called: Lethal neonatal spasticity-epileptic encephalopathy syndrome. Identifiers: Orphanet 435845, MedGen C3281029, MONDO:0013784, OMIM 614498.

Submission:

Labcorp Genetics (formerly Invitae), Labcorp
Classification: Pathogenic for Neonatal-onset encephalopathy with rigidity and seizures. Last evaluated: 2020-08-31. Review status: criteria provided, single submitter. Criteria: Invitae Variant Classification Sherloc (09022015). Collection method: clinical testing. Allele origin: germline.
Comment: For these reasons, this variant has been classified as Pathogenic. This variant disrupts the C-terminus of the BRAT1 protein. Other variant(s) that disrupt this region (p.Phe709Thrfs*17) have been determined to be pathogenic (PMID: 27480663). This suggests that variants that disrupt this region of the protein are likely to be causative of disease. This variant has not been reported in the literature in individuals with BRAT1-related conditions. This variant is not present in population databases (ExAC no frequency). This sequence change results in a premature translational stop signal in the BRAT1 gene (p.Tyr675Metfs*18). While this is not anticipated to result in nonsense mediated decay, it is expected to disrupt the last 147 amino acids of the BRAT1 protein.

Literature cited by the submitters: PubMed 27480663.

NM_152743.4(BRAT1):c.2023del (p.Tyr675fs)

Gene: BRAT1 (BRCA1 associated ATM activator 1; minus strand). Cytogenetic location: 7p22.3.
Variant type: Deletion.
Coding change: c.2023del on transcript NM_152743.4 (MANE Select); coding-DNA position 2023, one base deleted (T; older notation c.2023delT).
Protein change: p.Tyr675fs; shifts the reading frame from tyrosine 675.
Molecular consequence: frameshift variant. On other transcripts: non-coding transcript variant (1).
Genome position (GRCh38, 1-based): chr7:2,538,512, A deleted on the plus strand (T on the coding strand, the reverse complement: BRAT1 is on the minus strand). VCF-style (leftmost placement, unchanged base first): chr7-2538511-TA-T. GRCh37 (hg19) VCF-style: chr7-2578145-TA-T.
Other names: c.2203del, p.Tyr735fs (NM_001350626.2); c.1498del, p.Tyr500fs (NM_001350627.2); short protein forms Y500fs, Y675fs, Y735fs.
Identifiers: ClinVar variation 1072484 (VCV001072484.9), dbSNP rs2128384059, ClinGen allele CA2499218860.
Genomic context (GRCh38, chr7:2,538,511, plus strand): 5'-AGAGCCCTCAGTGCCTCGGTGAGTGGCTGGGCTGGGGCCACCTCGGGTAGGGCCACGGCA[TA>T]GGGGCAGTGGGTACGCGGCGGCCCCAAAGTCTGGCCCAGGAACACGAGGGCCAGCTCCAG-3'